The following is an entry in ClinVar:

ClinVar aggregate classification (germline): Uncertain significance (1 of 4 stars; one submission).

Conditions:
Sulfite oxidase deficiency due to molybdenum cofactor deficiency type A. Also called: Molybdenum Cofactor Deficiency A; Molybdenum cofactor deficiency, complementation group A. Identifiers: Orphanet 308386, Orphanet 833, MedGen C1854988, MONDO:0009643, OMIM 252150.

Allele frequency attached by ClinVar (database versions not stated): gnomAD 0.00001; ExAC 0.00002; gnomAD exomes 0.00002.
gnomAD v4.1: 16 of 1,612,654 alleles (0.00099%); highest among the groups gnomAD compares: East Asian, 0.025%; no homozygotes.

Submission:

Labcorp Genetics (formerly Invitae), Labcorp
Classification: Uncertain significance for Sulfite oxidase deficiency due to molybdenum cofactor deficiency type A. Last evaluated: 2024-02-24. Review status: criteria provided, single submitter. Criteria: Invitae Variant Classification Sherloc (09022015). Collection method: clinical testing. Allele origin: germline.
Comment: This sequence change replaces alanine, which is neutral and non-polar, with threonine, which is neutral and polar, at codon 59 of the MOCS1 protein (p.Ala59Thr). This variant is present in population databases (rs770756364, gnomAD 0.03%). This variant has not been reported in the literature in individuals affected with MOCS1-related conditions. ClinVar contains an entry for this variant (Variation ID: 1036216). Algorithms developed to predict the effect of missense changes on protein structure and function output the following: SIFT: "Not Available"; PolyPhen-2: "Benign"; Align-GVGD: "Not Available". The threonine amino acid residue is found in multiple mammalian species, which suggests that this missense change does not adversely affect protein function. In summary, the available evidence is currently insufficient to determine the role of this variant in disease. Therefore, it has been classified as a Variant of Uncertain Significance.

NM_001358530.2(MOCS1):c.175G>A (p.Ala59Thr)

Gene: MOCS1 (molybdenum cofactor synthesis 1; minus strand). Cytogenetic location: 6p21.2.
Variant type: single nucleotide variant.
Coding change: c.175G>A on transcript NM_001358530.2 (MANE Select); coding-DNA position 175, G replaced by A.
Protein change: p.Ala59Thr; replaces alanine 59 with threonine.
Molecular consequence: missense variant. On other transcripts: 5 prime UTR variant (1), intron variant (2).
Genome position (GRCh38, 1-based): chr6:39,927,404, C>T on the plus strand (G>A on the coding strand, the complement: MOCS1 is on the minus strand). VCF-style: chr6-39927404-C-T. GRCh37 (hg19) VCF-style: chr6-39895143-C-T.
Other names: c.175G>A, p.Ala59Thr (NM_001075098.4, NM_001358529.2, NM_005943.6); c.-87G>A (NM_001358534.2); c.-11-1559G>A (NM_001358531.2, NM_001358533.2); short protein forms A59T.
Identifiers: ClinVar variation 1036216 (VCV001036216.5), dbSNP rs770756364, ClinGen allele CA3796416.